The following is an entry in ClinVar:

NM_001264.5(CDSN):c.388G>C (p.Gly130Arg)

Genes: CDSN (corneodesmosin; minus strand), PSORS1C1 (psoriasis susceptibility 1 candidate 1; plus strand). Cytogenetic location: 6p21.33.
Variant type: single nucleotide variant.
Coding change: c.388G>C on transcript NM_001264.5 (MANE Select); coding-DNA position 388, G replaced by C.
Protein change: p.Gly130Arg; replaces glycine 130 with arginine.
Molecular consequence: missense variant. On other transcripts: intron variant (1).
Genome position (GRCh38, 1-based): chr6:31,117,227, C>G on the plus strand (G>C on the coding strand, the complement: CDSN is on the minus strand). VCF-style: chr6-31117227-C-G. GRCh37 (hg19) VCF-style: chr6-31085004-C-G.
Other names: c.-229+2336C>G (NM_014068.3); short protein forms G130R.
Identifiers: ClinVar variation 1461513 (VCV001461513.8), dbSNP rs199588644, ClinGen allele CA3708513.

ClinVar aggregate classification (germline): Uncertain significance (1 of 4 stars; one submission).

Allele frequency attached by ClinVar (database versions not stated): ExAC 0.00007; 1000 Genomes Project 30x 0.00016; 1000 Genomes Project 0.00020.
gnomAD v4.1: 40 of 1,613,586 alleles (0.0025%); highest among the groups gnomAD compares: East Asian, 0.089%; no homozygotes.

Submission:

Labcorp Genetics (formerly Invitae), Labcorp
Classification: Uncertain significance. Last evaluated: 2022-10-17. Review status: criteria provided, single submitter. Criteria: Invitae Variant Classification Sherloc (09022015). Collection method: clinical testing. Allele origin: germline.
Comment: In summary, the available evidence is currently insufficient to determine the role of this variant in disease. Therefore, it has been classified as a Variant of Uncertain Significance. Advanced modeling of protein sequence and biophysical properties (such as structural, functional, and spatial information, amino acid conservation, physicochemical variation, residue mobility, and thermodynamic stability) performed at Invitae indicates that this missense variant is not expected to disrupt CDSN protein function. ClinVar contains an entry for this variant (Variation ID: 1461513). This variant has not been reported in the literature in individuals affected with CDSN-related conditions. This variant is present in population databases (rs199588644, gnomAD 0.07%). This sequence change replaces glycine, which is neutral and non-polar, with arginine, which is basic and polar, at codon 130 of the CDSN protein (p.Gly130Arg).